The following is an entry in ClinVar:

NM_000324.3(RHAG):c.64T>G (p.Leu22Val)

Gene: RHAG (Rh associated glycoprotein; minus strand). Cytogenetic location: 6p12.3.
Variant type: single nucleotide variant.
Coding change: c.64T>G on transcript NM_000324.3 (MANE Select); coding-DNA position 64, T replaced by G.
Protein change: p.Leu22Val; replaces leucine 22 with valine.
Molecular consequence: missense variant.
Genome position (GRCh38, 1-based): chr6:49,636,749, A>C on the plus strand (T>G on the coding strand, the complement: RHAG is on the minus strand). VCF-style: chr6-49636749-A-C. GRCh37 (hg19) VCF-style: chr6-49604462-A-C.
Other names: short protein forms L22V.
Identifiers: ClinVar variation 4079863 (VCV004079863.2).

ClinVar aggregate classification (germline): Uncertain significance. Review status: criteria provided, multiple submitters, no conflicts (2 of 4 stars). 2 submissions from 2 submitters: Uncertain significance (2). Last evaluated 2025-07-15.

gnomAD v4.1: 9 of 1,614,010 alleles (0.00056%); highest among the groups gnomAD compares: East Asian, 0.011%; no homozygotes.

Submissions (2):

Labcorp Genetics (formerly Invitae), Labcorp
Classification: Uncertain significance. Last evaluated: 2025-07-15. Review status: criteria provided, single submitter. Criteria: Invitae Variant Classification Sherloc (09022015). Collection method: clinical testing. Allele origin: germline.
Comment: This sequence change replaces leucine, which is neutral and non-polar, with valine, which is neutral and non-polar, at codon 22 of the RHAG protein (p.Leu22Val). This variant is present in population databases (rs139234886, gnomAD 0.01%). This variant has not been reported in the literature in individuals affected with RHAG-related conditions. An algorithm developed to predict the effect of missense changes on protein structure and function outputs the following: PolyPhen-2: "Benign". The valine amino acid residue is found in multiple mammalian species, which suggests that this missense change does not adversely affect protein function. In summary, the available evidence is currently insufficient to determine the role of this variant in disease. Therefore, it has been classified as a Variant of Uncertain Significance.

Revvity Omics, Revvity
Classification: Uncertain significance. Last evaluated: 2023-08-14. Review status: criteria provided, single submitter. Criteria: ACMG Guidelines, 2015. Collection method: clinical testing. Allele origin: germline.